The following is an entry in ClinVar:

ClinVar aggregate classification (germline): Likely pathogenic (1 of 4 stars; one submission).

Conditions:
Agenesis of the corpus callosum with peripheral neuropathy (ACCPN). Also called: CHARLEVOIX DISEASE; POLYNEUROPATHY, SENSORIMOTOR, WITH OR WITHOUT AGENESIS OF THE CORPUS CALLOSUM; HMSN/ACC; Hereditary Motor and Sensory Neuropathy with Agenesis of the Corpus Callosum. Identifiers: Orphanet 1496, MedGen C0795950, MONDO:0000902, OMIM 218000. Disease mechanism: loss of function.

Submission:

Myriad Genetics, Inc.
Classification: Likely pathogenic for Agenesis of the corpus callosum with peripheral neuropathy. Last evaluated: 2021-12-30. Review status: criteria provided, single submitter. Criteria: Myriad Women's Health Autosomal Recessive and X-Linked Classification Criteria (2021). Collection method: clinical testing. Allele origin: unknown.
Comment: NM_133647.1(SLC12A6):c.981_985del5(L328Gfs*50) is expected to be pathogenic in the context of Andermann syndrome. This variant is predicted to lead to an abnormal or absent protein product due to the creation of a premature termination codon in SLC12A6, a gene where loss-of-function variants are known to be pathogenic. Please note: this variant was assessed in the context of healthy population screening.

NM_001365088.1(SLC12A6):c.981_985del (p.Leu328fs)

Gene: SLC12A6 (solute carrier family 12 member 6; minus strand). Cytogenetic location: 15q14.
Variant type: Deletion.
Coding change: c.981_985del on transcript NM_001365088.1 (MANE Select); coding-DNA positions 981 to 985, 5 bases deleted (CCTTA; older notation c.981_985delCCTTA).
Protein change: p.Leu328fs; shifts the reading frame from leucine 328.
Molecular consequence: frameshift variant.
Genome position (GRCh38, 1-based): chr15:34,254,481-34,254,485, TAAGG deleted on the plus strand (CCTTA on the coding strand, the reverse complement: SLC12A6 is on the minus strand). VCF-style (leftmost placement, unchanged base first): chr15-34254480-ATAAGG-A. GRCh37 (hg19) VCF-style: chr15-34546681-ATAAGG-A.
Other names: c.804_808del, p.Leu269fs (NM_001042494.2, NM_001042495.2); c.954_958del, p.Leu319fs (NM_001042496.2); c.936_940del, p.Leu313fs (NM_001042497.2); c.828_832del, p.Leu277fs (NM_005135.2); c.981_985del, p.Leu328fs (NM_133647.2); short protein forms L269fs, L277fs, L313fs, L319fs, L328fs.
Identifiers: ClinVar variation 1726658 (VCV001726658.2), dbSNP rs2509817001, ClinGen allele CA2580089307.
Genomic context (GRCh38, chr15:34,254,480, plus strand): 5'-GCCAGGAAAAGTGAGGCAAACTTGTTCACATAGCGTACGCCGATAAATACCACTAATACC[ATAAGG>A]ACCAAGAAAGCTGTGCCGTAGACACGCATGTTATTTAGCATGGCTGCTGATTCCTTGAGT-3'